The following is an entry in ClinVar:

NM_176824.3(BBS7):c.535G>A (p.Asp179Asn)

Gene: BBS7 (Bardet-Biedl syndrome 7; minus strand). Cytogenetic location: 4q27.
Variant type: single nucleotide variant.
Coding change: c.535G>A on transcript NM_176824.3 (MANE Select); coding-DNA position 535, G replaced by A.
Protein change: p.Asp179Asn; replaces aspartic acid 179 with asparagine.
Molecular consequence: missense variant.
Genome position (GRCh38, 1-based): chr4:121,855,555, C>T on the plus strand (G>A on the coding strand, the complement: BBS7 is on the minus strand). VCF-style: chr4-121855555-C-T. GRCh37 (hg19) VCF-style: chr4-122776710-C-T.
Other names: c.535G>A, p.Asp179Asn (NM_018190.4); short protein forms D179N.
Identifiers: ClinVar variation 1465952 (VCV001465952.5), dbSNP rs2149080347, ClinGen allele CA358066852.

ClinVar aggregate classification (germline): Uncertain significance (1 of 4 stars; one submission).

Conditions:
Bardet-Biedl syndrome (BBS). Identifiers: Orphanet 110, MedGen C0752166, MONDO:0015229.

gnomAD v4.1: 1 of 1,613,214 alleles (0.000062%); highest among the groups gnomAD compares: Non-Finnish European, 0.000085%; no homozygotes.

Submission:

Labcorp Genetics (formerly Invitae), Labcorp
Classification: Uncertain significance for Bardet-Biedl syndrome. Last evaluated: 2021-08-31. Review status: criteria provided, single submitter. Criteria: Invitae Variant Classification Sherloc (09022015). Collection method: clinical testing. Allele origin: germline.
Comment: This sequence change replaces aspartic acid with asparagine at codon 179 of the BBS7 protein (p.Asp179Asn). The aspartic acid residue is highly conserved and there is a small physicochemical difference between aspartic acid and asparagine. This variant is not present in population databases (ExAC no frequency). This variant has not been reported in the literature in individuals affected with BBS7-related conditions. Algorithms developed to predict the effect of missense changes on protein structure and function output the following: SIFT: "Tolerated"; PolyPhen-2: "Benign"; Align-GVGD: "Class C0". The asparagine amino acid residue is found in multiple mammalian species, which suggests that this missense change does not adversely affect protein function. In summary, the available evidence is currently insufficient to determine the role of this variant in disease. Therefore, it has been classified as a Variant of Uncertain Significance.